The following is an entry in ClinVar:

ClinVar aggregate classification (germline): Pathogenic (1 of 4 stars; one submission).

Conditions:
Carnitine palmitoyl transferase 1A deficiency. Also called: CPT I DEFICIENCY; CPT DEFICIENCY, HEPATIC, TYPE I; Carnitine palmitoyltransferase type I deficiency; CPT deficiency, hepatic, type IA; Carnitine palmitoyltransferase 1A deficiency. Identifiers: Orphanet 156, MedGen C1829703, MONDO:0009705, OMIM 255120.

Submission:

Labcorp Genetics (formerly Invitae), Labcorp
Classification: Pathogenic for Carnitine palmitoyl transferase 1A deficiency. Last evaluated: 2025-09-16. Review status: criteria provided, single submitter. Criteria: Invitae Variant Classification Sherloc (09022015). Collection method: clinical testing. Allele origin: germline.
Comment: This sequence change creates a premature translational stop signal (p.Trp135*) in the CPT1A gene. It is expected to result in an absent or disrupted protein product. Loss-of-function variants in CPT1A are known to be pathogenic (PMID: 16169268). This variant is not present in population databases (gnomAD no frequency). This variant has not been reported in the literature in individuals affected with CPT1A-related conditions. For these reasons, this variant has been classified as Pathogenic.

Literature cited by the submitters: PubMed 16169268.

NM_001876.4(CPT1A):c.404G>A (p.Trp135Ter)

Gene: CPT1A (carnitine palmitoyltransferase 1A; minus strand). Cytogenetic location: 11q13.3.
Variant type: single nucleotide variant.
Coding change: c.404G>A on transcript NM_001876.4 (MANE Select); coding-DNA position 404, G replaced by A.
Protein change: p.Trp135Ter; replaces tryptophan 135 with a stop codon.
Molecular consequence: nonsense.
Genome position (GRCh38, 1-based): chr11:68,807,516, C>T on the plus strand (G>A on the coding strand, the complement: CPT1A is on the minus strand). VCF-style: chr11-68807516-C-T. GRCh37 (hg19) VCF-style: chr11-68574984-C-T.
Other names: c.404G>A, p.Trp135Ter (NM_001031847.3, NM_001440358.1, NM_001440359.1 and 6 more transcripts); short protein forms W135*.
Identifiers: ClinVar variation 4807327 (VCV004807327.1).